The following is an entry in ClinVar:

ClinVar aggregate classification (germline): Pathogenic (1 of 4 stars; one submission).

Conditions:
Hermansky-Pudlak syndrome 1 (HPS1). Also called: DELTA STORAGE POOL DISEASE. Identifiers: Orphanet 231500, Orphanet 79430, MedGen C2931875, MONDO:0008748, OMIM 203300.

Submission:

Myriad Genetics, Inc.
Classification: Pathogenic for Hermansky-Pudlak syndrome 1. Last evaluated: 2024-08-02. Review status: criteria provided, single submitter. Criteria: Myriad Autosomal Dominant, Autosomal Recessive and X-Linked Classification Criteria (2023). Collection method: clinical testing. Allele origin: unknown.
Comment: NM_000195.3(HPS1):c.1687C>T(Q563*) is expected to be pathogenic in the context of Hermansky-Pudlak syndrome, HPS1-related. This variant is predicted to lead to an abnormal or absent protein product due to the creation of a premature termination codon in HPS1, a gene where loss-of-function variants are known to be pathogenic. Please note: this variant was assessed in the context of healthy population screening.

NM_000195.5(HPS1):c.1687C>T (p.Gln563Ter)

Gene: HPS1 (HPS1 biogenesis of lysosomal organelles complex 3 subunit 1; minus strand). Cytogenetic location: 10q24.2.
Variant type: single nucleotide variant.
Coding change: c.1687C>T on transcript NM_000195.5 (MANE Select); coding-DNA position 1687, C replaced by T.
Protein change: p.Gln563Ter; replaces glutamine 563 with a stop codon.
Molecular consequence: nonsense.
Genome position (GRCh38, 1-based): chr10:98,422,425, G>A on the plus strand (C>T on the coding strand, the complement: HPS1 is on the minus strand). VCF-style: chr10-98422425-G-A. GRCh37 (hg19) VCF-style: chr10-100182182-G-A.
Other names: c.715C>T, p.Gln239Ter (NM_001311345.2, NM_001322487.2, NM_001322489.2); c.1687C>T, p.Gln563Ter (NM_001322476.2, NM_001322477.2); c.1588C>T, p.Gln530Ter (NM_001322478.2, NM_001322479.2); c.1426C>T, p.Gln476Ter (NM_001322480.2, NM_001322481.2); c.1327C>T, p.Gln443Ter (NM_001322482.2); c.1318C>T, p.Gln440Ter (NM_001322483.2, NM_001322484.2); c.1219C>T, p.Gln407Ter (NM_001322485.2); short protein forms Q239*, Q407*, Q440*, Q443*, Q476*, Q530*, Q563*.
Identifiers: ClinVar variation 5013404 (VCV005013404.1).